The following is an entry in ClinVar:

NM_033380.3(COL4A5):c.3784A>T (p.Arg1262Ter)

Gene: COL4A5 (collagen type IV alpha 5 chain; plus strand). Cytogenetic location: Xq22.3.
Variant type: single nucleotide variant.
Coding change: c.3784A>T on transcript NM_033380.3 (MANE Select); coding-DNA position 3784, A replaced by T.
Protein change: p.Arg1262Ter; replaces arginine 1262 with a stop codon.
Molecular consequence: nonsense.
Genome position (GRCh38, 1-based): chrX:108,668,498, A>T. VCF-style: chrX-108668498-A-T. GRCh37 (hg19) VCF-style: chrX-107911728-A-T.
Other names: c.3784A>T, p.Arg1262Ter (NM_000495.5); short protein forms R1262*.
Identifiers: ClinVar variation 1726362 (VCV001726362.2), dbSNP rs2524576232, ClinGen allele CA413849157.

ClinVar aggregate classification (germline): Likely pathogenic (1 of 4 stars; one submission).

Conditions:
X-linked Alport syndrome (ATS1). Also called: NEPHROPATHY AND DEAFNESS, X-LINKED; COL4A5-Related Nephropathy. Identifiers: Orphanet 63, Orphanet 88917, MedGen C4746986, MONDO:0010520, OMIM 301050.

Submission:

Myriad Genetics, Inc.
Classification: Likely pathogenic for X-linked Alport syndrome. Last evaluated: 2021-12-16. Review status: criteria provided, single submitter. Criteria: Myriad Women's Health Autosomal Recessive and X-Linked Classification Criteria (2021). Collection method: clinical testing. Allele origin: unknown.
Comment: NM_000495.4(COL4A5):c.3784A>T(R1262*) is expected to be pathogenic in the context of X-linked Alport syndrome. This variant is predicted to lead to an abnormal or absent protein product due to the creation of a premature termination codon in COL4A5, a gene where loss-of-function variants are known to be pathogenic. Please note: this variant was assessed in the context of healthy population screening.